The following is an entry in ClinVar:

ClinVar aggregate classification (germline): Uncertain significance (1 of 4 stars; one submission).

Conditions:
Hypertrophic cardiomyopathy 26. Also called: Cardiomyopathy, familial hypertrophic, 26. Identifiers: Orphanet 75249, MedGen C4310749, MONDO:0014883, OMIM 617047.
Myofibrillar myopathy 5. Also called: Filaminopathy (type); FILAMINOPATHY, AUTOSOMAL DOMINANT. Identifiers: Orphanet 171445, MedGen C1836050, MONDO:0012289, OMIM 609524.
Distal myopathy with posterior leg and anterior hand involvement. Also called: WILLIAMS DISTAL MYOPATHY. Identifiers: Orphanet 63273, MedGen C3279722, MONDO:0013550, OMIM 614065.

Submission:

Labcorp Genetics (formerly Invitae), Labcorp
Classification: Uncertain significance for Distal myopathy with posterior leg and anterior hand involvement; Myofibrillar myopathy 5; Hypertrophic cardiomyopathy 26. Last evaluated: 2025-03-30. Review status: criteria provided, single submitter. Criteria: Invitae Variant Classification Sherloc (09022015). Collection method: clinical testing. Allele origin: germline.
Comment: This sequence change replaces isoleucine, which is neutral and non-polar, with phenylalanine, which is neutral and non-polar, at codon 400 of the FLNC protein (p.Ile400Phe). This variant is not present in population databases (gnomAD no frequency). This variant has not been reported in the literature in individuals affected with FLNC-related conditions. Invitae Evidence Modeling of protein sequence and biophysical properties (such as structural, functional, and spatial information, amino acid conservation, physicochemical variation, residue mobility, and thermodynamic stability) has been performed for this missense variant. However, the output from this modeling did not meet the statistical confidence thresholds required to predict the impact of this variant on FLNC protein function. In summary, the available evidence is currently insufficient to determine the role of this variant in disease. Therefore, it has been classified as a Variant of Uncertain Significance.

NM_001458.5(FLNC):c.1198A>T (p.Ile400Phe)

Gene: FLNC (filamin C; plus strand). Cytogenetic location: 7q32.1.
Variant type: single nucleotide variant.
Coding change: c.1198A>T on transcript NM_001458.5 (MANE Select); coding-DNA position 1198, A replaced by T.
Protein change: p.Ile400Phe; replaces isoleucine 400 with phenylalanine.
Molecular consequence: missense variant.
Genome position (GRCh38, 1-based): chr7:128,838,417, A>T. VCF-style: chr7-128838417-A-T. GRCh37 (hg19) VCF-style: chr7-128478471-A-T.
Other names: c.1198A>T, p.Ile400Phe (NM_001127487.2); short protein forms I400F.
Identifiers: ClinVar variation 4812402 (VCV004812402.1).